The following is an entry in ClinVar:

NM_003072.5(SMARCA4):c.4200C>T (p.Ile1400=)

Gene: SMARCA4 (SWI/SNF related BAF chromatin remodeling complex subunit ATPase 4; plus strand). Cytogenetic location: 19p13.2.
Variant type: single nucleotide variant.
Coding change: c.4200C>T on transcript NM_003072.5 (MANE Select); coding-DNA position 4200, C replaced by T.
Protein change: p.Ile1400=; no amino-acid change (isoleucine 1400 retained).
Molecular consequence: synonymous variant. On other transcripts: non-coding transcript variant (1).
Genome position (GRCh38, 1-based): chr19:11,041,336, C>T. VCF-style: chr19-11041336-C-T. GRCh37 (hg19) VCF-style: chr19-11152012-C-T.
Other names: c.4296C>T, p.Ile1432= (NM_001387283.1, NM_001128849.3); c.4200C>T, p.Ile1400= (NM_001128844.3); c.4110C>T, p.Ile1370= (NM_001128845.2, NM_001128846.2); c.4101C>T, p.Ile1367= (NM_001128847.4, NM_001128848.2, NM_001374457.1).
Identifiers: ClinVar variation 470392 (VCV000470392.20), dbSNP rs577059244, ClinGen allele CA9204674.

ClinVar aggregate classification (germline): Benign/Likely benign. Review status: criteria provided, multiple submitters, no conflicts (2 of 4 stars). 6 submissions from 6 submitters: Benign (1); Likely benign (5). Last evaluated 2026-07-16.

Conditions:
Rhabdoid tumor predisposition syndrome 2 (RTPS2). Identifiers: Orphanet 231108, Orphanet 69077, MedGen C2750074, MONDO:0013224, OMIM 613325.
SMARCA4-related disorder. Also called: SMARCA4-related condition.
Hereditary cancer-predisposing syndrome. Also called: Tumor predisposition; Neoplastic Syndromes, Hereditary; Hereditary Cancer Syndrome; Hereditary neoplastic syndrome. Identifiers: Orphanet 140162, MedGen C0027672, MeSH D009386, MONDO:0015356.

Allele frequency attached by ClinVar (database versions not stated): TOPMed 0.00002; gnomAD exomes 0.00004; ExAC 0.00004.
gnomAD v4.1: 32 of 1,611,750 alleles (0.002%); highest among the groups gnomAD compares: East Asian, 0.062%; no homozygotes.

Submissions (6):

Myriad Genetics, Inc.
Classification: Benign for Rhabdoid tumor predisposition syndrome 2. Last evaluated: 2026-07-16. Review status: criteria provided, single submitter. Criteria: Myriad Autosomal Dominant, Autosomal Recessive and X-Linked Classification Criteria (2023). Collection method: clinical testing. Allele origin: unknown.
Comment: This variant is considered benign. This variant is a silent/synonymous amino acid change and it is not expected to impact splicing.

Labcorp Genetics (formerly Invitae), Labcorp
Classification: Likely benign for Rhabdoid tumor predisposition syndrome 2. Last evaluated: 2025-12-21. Review status: criteria provided, single submitter. Criteria: Invitae Variant Classification Sherloc (09022015). Collection method: clinical testing. Allele origin: germline.

PreventionGenetics, part of Exact Sciences
Classification: Likely benign for SMARCA4-related condition. Last evaluated: 2025-12-18. Review status: criteria provided, single submitter. Criteria: ACMG Guidelines, 2015. Collection method: clinical testing. Allele origin: germline.
Comment: This variant is classified as likely benign based on ACMG/AMP sequence variant interpretation guidelines (Richards et al. 2015 PMID: 25741868, with internal and published modifications).

Quest Diagnostics Nichols Institute San Juan Capistrano
Classification: Likely benign. Last evaluated: 2025-06-24. Review status: criteria provided, single submitter. Criteria: Quest Diagnostics criteria. Collection method: clinical testing. Allele origin: unknown.

Blueprint Genetics
Classification: Likely benign. Last evaluated: 2024-10-09. Review status: criteria provided, single submitter. Criteria: ACMG Guidelines, 2015. Collection method: clinical testing. Allele origin: germline.

Ambry Genetics
Classification: Likely benign for Hereditary cancer-predisposing syndrome. Last evaluated: 2015-08-20. Review status: criteria provided, single submitter. Criteria: Ambry Variant Classification Scheme 2023. Collection method: clinical testing. Allele origin: germline.